The following is an entry in ClinVar:

NM_018489.3(ASH1L):c.2192C>G (p.Pro731Arg)

Gene: ASH1L (ASH1 like histone lysine methyltransferase; minus strand). Cytogenetic location: 1q22.
Variant type: single nucleotide variant.
Coding change: c.2192C>G on transcript NM_018489.3 (MANE Select); coding-DNA position 2192, C replaced by G.
Protein change: p.Pro731Arg; replaces proline 731 with arginine.
Molecular consequence: missense variant.
Genome position (GRCh38, 1-based): chr1:155,480,678, G>C on the plus strand (C>G on the coding strand, the complement: ASH1L is on the minus strand). VCF-style: chr1-155480678-G-C. GRCh37 (hg19) VCF-style: chr1-155450469-G-C.
Other names: c.2192C>G, p.Pro731Arg (NM_001366177.2); short protein forms P731R.
Identifiers: ClinVar variation 3772015 (VCV003772015.13).

ClinVar aggregate classification (germline): Likely benign (1 of 4 stars; one submission).

gnomAD v4.1: 6 of 1,613,578 alleles (0.00037%); highest among the groups gnomAD compares: East Asian, 0.0067%; 1 homozygote.

Submission:

CeGaT Center for Human Genetics Tuebingen
Classification: Likely benign. Last evaluated: 2024-12-01. Review status: criteria provided, single submitter. Criteria: CeGaT Center For Human Genetics Tuebingen Variant Classification Criteria Version 2. Collection method: clinical testing. Allele origin: germline. Affected: yes. Observed: 1 variant allele.
Comment: ASH1L: BS2